The following is an entry in ClinVar:

NM_001351132.2(PEX5):c.1181+4A>G

Gene: PEX5 (peroxisomal biogenesis factor 5; plus strand). Cytogenetic location: 12p13.31.
Variant type: single nucleotide variant.
Coding change: c.1181+4A>G on transcript NM_001351132.2 (MANE Select); 4 bases into the intron after coding-DNA position 1181, A replaced by G.
Molecular consequence: intron variant.
Genome position (GRCh38, 1-based): chr12:7,208,084, A>G. VCF-style: chr12-7208084-A-G. GRCh37 (hg19) VCF-style: chr12-7360680-A-G.
Other names: c.1070+4A>G (NM_001351124.3, NM_001351126.2, NM_001374646.1 and 7 more transcripts); c.1181+4A>G (NM_001131026.2, NM_001351131.2, NM_001374647.2 and 4 more transcripts); c.1046+4A>G (NM_001374649.2, NM_001351140.2, NM_001351139.2); c.1115+4A>G (NM_001351135.3, NM_001351138.2); c.1226+4A>G (NM_001131023.2); c.1172+4A>G (NM_001351136.2); c.1157+4A>G (NM_000319.5).
Identifiers: ClinVar variation 1362821 (VCV001362821.6), dbSNP rs2136231209, ClinGen allele CA2573148416.
Genomic context (GRCh38, chr12:7,208,084, plus strand): 5'-GGGTACCACCCAGGCAGAGAATGAACAAGAACTATTAGCCATCAGTGCATTGCGGAGGTG[A>G]GTACACTGAAAGGTGTGGGTGAGGTGCTTCCAAGGCTCTGCATATAACCTTTTGAATGAC-3'

ClinVar aggregate classification (germline): Uncertain significance (1 of 4 stars; one submission).

Conditions:
Peroxisome biogenesis disorder 2B (PBD2B). Identifiers: Orphanet 44, MedGen C3550234, MONDO:0008736, OMIM 202370.

Submission:

Labcorp Genetics (formerly Invitae), Labcorp
Classification: Uncertain significance for Peroxisome biogenesis disorder 2B. Last evaluated: 2021-06-20. Review status: criteria provided, single submitter. Criteria: Invitae Variant Classification Sherloc (09022015). Collection method: clinical testing. Allele origin: germline.
Comment: This sequence change falls in intron 12 of the PEX5 gene. It does not directly change the encoded amino acid sequence of the PEX5 protein. It affects a nucleotide within the consensus splice site of the intron. This variant is not present in population databases (ExAC no frequency). This variant has not been reported in the literature in individuals with PEX5-related conditions. Nucleotide substitutions within the consensus splice site are a relatively common cause of aberrant splicing (PMID: 17576681, 9536098). Algorithms developed to predict the effect of sequence changes on RNA splicing suggest that this variant may disrupt the consensus splice site, but this prediction has not been confirmed by published transcriptional studies. In summary, the available evidence is currently insufficient to determine the role of this variant in disease. Therefore, it has been classified as a Variant of Uncertain Significance.

Literature cited by the submitters: PubMed 17576681; PubMed 9536098.